The following is an entry in ClinVar:

ClinVar aggregate classification (germline): Uncertain significance. Review status: criteria provided, multiple submitters, no conflicts (2 of 4 stars). 2 submissions from 2 submitters: Uncertain significance (2). Last evaluated 2023-11-29.

Conditions:
Hereditary cancer-predisposing syndrome. Also called: Hereditary neoplastic syndrome; Neoplastic Syndromes, Hereditary; Tumor predisposition; Hereditary Cancer Syndrome. Identifiers: Orphanet 140162, MedGen C0027672, MeSH D009386, MONDO:0015356.

Submissions (2):

Ambry Genetics
Classification: Uncertain significance for Hereditary cancer-predisposing syndrome. Last evaluated: 2023-11-29. Review status: criteria provided, single submitter. Criteria: Ambry Variant Classification Scheme 2023. Collection method: clinical testing. Allele origin: germline.
Comment: The p.T152R variant (also known as c.455C>G), located in coding exon 2 of the MSH6 gene, results from a C to G substitution at nucleotide position 455. The threonine at codon 152 is replaced by arginine, an amino acid with similar properties. This amino acid position is conserved. In addition, this alteration is predicted to be tolerated by in silico analysis. Since supporting evidence is limited at this time, the clinical significance of this alteration remains unclear.

GeneDx
Classification: Uncertain significance. Last evaluated: 2020-10-27. Review status: criteria provided, single submitter. Criteria: GeneDx Variant Classification Process June 2021. Collection method: clinical testing. Allele origin: germline. Affected: yes.
Comment: Not observed in large population cohorts (Lek 2016); In silico analysis supports that this missense variant does not alter protein structure/function; Has not been previously published as pathogenic or benign to our knowledge

NM_000179.3(MSH6):c.455C>G (p.Thr152Arg)

Gene: MSH6 (mutS homolog 6; plus strand). Cytogenetic location: 2p16.3.
Variant type: single nucleotide variant.
Coding change: c.455C>G on transcript NM_000179.3 (MANE Select); coding-DNA position 455, C replaced by G.
Protein change: p.Thr152Arg; replaces threonine 152 with arginine.
Molecular consequence: missense variant. On other transcripts: 5 prime UTR variant (2), intron variant (1).
Genome position (GRCh38, 1-based): chr2:47,791,121, C>G. VCF-style: chr2-47791121-C-G. GRCh37 (hg19) VCF-style: chr2-48018260-C-G.
Other names: c.-282C>G (NM_001281493.2); c.-448C>G (NM_001281494.2); c.238-7490C>G (NM_001281492.2); short protein forms T152R.
Identifiers: ClinVar variation 1320509 (VCV001320509.3), dbSNP rs1553410385, ClinGen allele CA346737209.